The following is an entry in ClinVar:

ClinVar aggregate classification (germline): Likely benign (1 of 4 stars; one submission).

Submission:

CeGaT Center for Human Genetics Tuebingen
Classification: Likely benign. Last evaluated: 2025-10-01. Review status: criteria provided, single submitter. Criteria: CeGaT Center For Human Genetics Tuebingen Variant Classification Criteria Version 2. Collection method: clinical testing. Allele origin: germline. Affected: yes. Observed: 1 variant allele.
Comment: HCK: PM2:Supporting, BP4, BP7

NM_002110.5(HCK):c.897G>T (p.Val299=)

Gene: HCK (HCK proto-oncogene, Src family tyrosine kinase; plus strand). Cytogenetic location: 20q11.21.
Variant type: single nucleotide variant.
Coding change: c.897G>T on transcript NM_002110.5 (MANE Select); coding-DNA position 897, G replaced by T.
Protein change: p.Val299=; no amino-acid change (valine 299 retained).
Molecular consequence: synonymous variant.
Genome position (GRCh38, 1-based): chr20:32,086,689, G>T. VCF-style: chr20-32086689-G-T. GRCh37 (hg19) VCF-style: chr20-30674492-G-T.
Other names: c.834G>T, p.Val278= (NM_001172129.3, NM_001172133.3); c.894G>T, p.Val298= (NM_001172130.3); c.831G>T, p.Val277= (NM_001172131.3); c.837G>T, p.Val279= (NM_001172132.3).
Identifiers: ClinVar variation 4534850 (VCV004534850.6).